The following is an entry in ClinVar:

NM_139321.3(ATRN):c.2125G>A (p.Asp709Asn)

Gene: ATRN (attractin; plus strand). Cytogenetic location: 20p13.
Variant type: single nucleotide variant.
Coding change: c.2125G>A on transcript NM_139321.3 (MANE Select); coding-DNA position 2125, G replaced by A.
Protein change: p.Asp709Asn; replaces aspartic acid 709 with asparagine.
Molecular consequence: missense variant.
Genome position (GRCh38, 1-based): chr20:3,575,859, G>A. VCF-style: chr20-3575859-G-A. GRCh37 (hg19) VCF-style: chr20-3556506-G-A.
Other names: c.1777G>A, p.Asp593Asn (NM_001207047.3); c.2125G>A, p.Asp709Asn (NM_001323332.2, NM_139322.4); short protein forms D709N, D593N.
Identifiers: ClinVar variation 2102854 (VCV002102854.4), dbSNP rs1458958654, ClinGen allele CA408094655.
Genomic context (GRCh38, chr20:3,575,859, plus strand): 5'-AGTTCATGAGATTTTGTTTTCTTTGCAGCTCTTGACCATGACAGATGTGACCAGCACACA[G>A]ATTGTTACAGCTGCACAGCCAACACCAATGACTGCCACTGGTGCAATGACCATTGTGTCC-3'
Protein context (NP_647537.1, residues 699-719): LDHDRCDQHT[Asp709Asn]CYSCTANTND

ClinVar aggregate classification (germline): Uncertain significance (1 of 4 stars; one submission).

Submission:

Labcorp Genetics (formerly Invitae), Labcorp
Classification: Uncertain significance. Last evaluated: 2022-01-18. Review status: criteria provided, single submitter. Criteria: Invitae Variant Classification Sherloc (09022015). Collection method: clinical testing. Allele origin: germline.
Comment: Algorithms developed to predict the effect of missense changes on protein structure and function are either unavailable or do not agree on the potential impact of this missense change (SIFT: "Tolerated"; PolyPhen-2: "Probably Damaging"; Align-GVGD: "Class C0"). In summary, the available evidence is currently insufficient to determine the role of this variant in disease. Therefore, it has been classified as a Variant of Uncertain Significance. This variant has not been reported in the literature in individuals affected with ATRN-related conditions. This variant is not present in population databases (gnomAD no frequency). This sequence change replaces aspartic acid, which is acidic and polar, with asparagine, which is neutral and polar, at codon 709 of the ATRN protein (p.Asp709Asn).